The following is an entry in ClinVar:

ClinVar aggregate classification (germline): Uncertain significance (1 of 4 stars; one submission).

Conditions:
Hereditary cancer-predisposing syndrome. Also called: Hereditary Cancer Syndrome; Neoplastic Syndromes, Hereditary; Tumor predisposition; Hereditary neoplastic syndrome. Identifiers: Orphanet 140162, MedGen C0027672, MeSH D009386, MONDO:0015356.

Submission:

Color Diagnostics, LLC DBA Color Health
Classification: Uncertain significance for Hereditary cancer-predisposing syndrome. Last evaluated: 2023-12-05. Review status: criteria provided, single submitter. Criteria: ACMG Guidelines, 2015. Collection method: clinical testing. Allele origin: germline.
Comment: This missense variant replaces glutamine with glutamic acid at codon 355 of the BAP1 protein. Computational prediction suggests that this variant may not impact protein structure and function (internally defined REVEL score threshold <= 0.5, PMID: 27666373). To our knowledge, functional studies have not been reported for this variant. This variant has not been reported in individuals affected with BAP1-related disorders in the literature. This variant has not been identified in the general population by the Genome Aggregation Database (gnomAD). The available evidence is insufficient to determine the role of this variant in disease conclusively. Therefore, this variant is classified as a Variant of Uncertain Significance.

NM_004656.4(BAP1):c.1063C>G (p.Gln355Glu)

Gene: BAP1 (BRCA1 associated deubiquitinase 1; minus strand). Cytogenetic location: 3p21.1.
Variant type: single nucleotide variant.
Coding change: c.1063C>G on transcript NM_004656.4 (MANE Select); coding-DNA position 1063, C replaced by G.
Protein change: p.Gln355Glu; replaces glutamine 355 with glutamic acid.
Molecular consequence: missense variant.
Genome position (GRCh38, 1-based): chr3:52,405,163, G>C on the plus strand (C>G on the coding strand, the complement: BAP1 is on the minus strand). VCF-style: chr3-52405163-G-C. GRCh37 (hg19) VCF-style: chr3-52439179-G-C.
Other names: c.1063C>G (LRG_529t1); short protein forms Q355E.
Identifiers: ClinVar variation 489605 (VCV000489605.6), dbSNP rs869312757, ClinGen allele CA353105637.